The following is an entry in ClinVar:

NM_001868.4(CPA1):c.313T>C (p.Phe105Leu)

Gene: CPA1 (carboxypeptidase A1; plus strand). Cytogenetic location: 7q32.2.
Variant type: single nucleotide variant.
Coding change: c.313T>C on transcript NM_001868.4 (MANE Select); coding-DNA position 313, T replaced by C.
Protein change: p.Phe105Leu; replaces phenylalanine 105 with leucine.
Molecular consequence: missense variant.
Genome position (GRCh38, 1-based): chr7:130,381,795, T>C. VCF-style: chr7-130381795-T-C. GRCh37 (hg19) VCF-style: chr7-130021636-T-C.
Other names: c.313T>C (NM_001868.2); short protein forms F105L.
Identifiers: ClinVar variation 2186399 (VCV002186399.5), dbSNP rs548306438, ClinGen allele CA4484751.

ClinVar aggregate classification (germline): Conflicting classifications of pathogenicity. Review status: criteria provided, conflicting classifications (1 of 4 stars). 2 submissions from 2 submitters: Uncertain significance (1); Likely benign (1). Last evaluated 2025-04-07.

Conditions:
Hereditary pancreatitis (PCTT). Also called: Hereditary chronic pancreatitis; PRSS1-Related Hereditary Pancreatitis. Identifiers: Orphanet 676, MedGen C0238339, MONDO:0008185, OMIM 167800.

Allele frequency attached by ClinVar (database versions not stated): gnomAD exomes 0.00001; ExAC 0.00002; gnomAD 0.00002; TOPMed 0.00002; 1000 Genomes Project 0.00020; 1000 Genomes Project 30x 0.00031.
gnomAD v4.1: 11 of 1,614,094 alleles (0.00068%); highest among the groups gnomAD compares: East Asian, 0.018%; no homozygotes.

Submissions (2):

Ambry Genetics
Classification: Likely benign for Hereditary pancreatitis. Last evaluated: 2025-04-07. Review status: criteria provided, single submitter. Criteria: Ambry Variant Classification Scheme 2023. Collection method: clinical testing. Allele origin: germline.

Labcorp Genetics (formerly Invitae), Labcorp
Classification: Uncertain significance. Last evaluated: 2022-05-17. Review status: criteria provided, single submitter. Criteria: Invitae Variant Classification Sherloc (09022015). Collection method: clinical testing. Allele origin: germline.
Comment: This sequence change replaces phenylalanine, which is neutral and non-polar, with leucine, which is neutral and non-polar, at codon 105 of the CPA1 protein (p.Phe105Leu). This variant is present in population databases (rs548306438, gnomAD 0.02%). This missense change has been observed in individual(s) with non-alcoholic chronic pancreatitis (PMID: 23955596). Algorithms developed to predict the effect of missense changes on protein structure and function output the following: SIFT: "Tolerated"; PolyPhen-2: "Benign"; Align-GVGD: "Class C0". The leucine amino acid residue is found in multiple mammalian species, which suggests that this missense change does not adversely affect protein function. Experimental studies have shown that this missense change does not substantially affect CPA1 function (PMID: 23955596). In summary, the available evidence is currently insufficient to determine the role of this variant in disease. Therefore, it has been classified as a Variant of Uncertain Significance.

Literature cited by the submitters: PubMed 23955596 (cited by Labcorp Genetics (formerly Invitae), Labcorp).